The following is an entry in ClinVar:

NM_001009944.3(PKD1):c.1353dup (p.Val452fs)

Gene: PKD1 (polycystin 1, transient receptor potential channel interacting; minus strand). Cytogenetic location: 16p13.3.
Variant type: Duplication.
Coding change: c.1353dup on transcript NM_001009944.3 (MANE Select); coding-DNA position 1353, one base duplicated (C; older notation c.1353dupC).
Protein change: p.Val452fs; shifts the reading frame from valine 452.
Molecular consequence: frameshift variant.
Genome position (GRCh38, 1-based): chr16:2,117,521, G duplicated on the plus strand (C on the coding strand, the reverse complement: PKD1 is on the minus strand); the first of 2 consecutive G bases (chr16:2,117,521-2,117,522); duplicating either gives the same sequence. VCF-style (leftmost placement, unchanged base first): chr16-2117520-C-CG. GRCh37 (hg19) VCF-style: chr16-2167521-C-CG.
Other names: c.1353dup, p.Val452fs (NM_000296.4); short protein forms V452fs.
Identifiers: ClinVar variation 1255643 (VCV001255643.16), dbSNP rs2151822325, ClinGen allele CA2573054189.

ClinVar aggregate classification (germline): Pathogenic. Review status: criteria provided, single submitter (1 of 4 stars). 2 submissions from 2 submitters: Pathogenic (1). 1 of the submissions does not count toward it. Last evaluated 2024-11-01.

Conditions:
Autosomal dominant polycystic kidney disease. Identifiers: Orphanet 730, MedGen C0085413, MONDO:0004691.

Submissions (2):

CeGaT Center for Human Genetics Tuebingen
Classification: Pathogenic. Last evaluated: 2024-11-01. Review status: criteria provided, single submitter. Criteria: CeGaT Center For Human Genetics Tuebingen Variant Classification Criteria Version 2. Collection method: clinical testing. Allele origin: germline. Affected: yes. Observed: 1 variant allele.
Comment: PKD1: PVS1, PM2

Laboratory of Gastroenterology and Hepatology, Radboud University Medical Center
Classification: Pathogenic for Autosomal dominant polycystic kidney disease. Last evaluated: 2021-09-01. Review status: no assertion criteria provided. Collection method: research. Allele origin: germline. Affected: yes. Not counted in ClinVar's aggregate classification.